The following is an entry in ClinVar:

NM_005033.3(EXOSC9):c.1086T>C (p.Gly362=)

Gene: EXOSC9 (exosome component 9; plus strand). Cytogenetic location: 4q27.
Variant type: single nucleotide variant.
Coding change: c.1086T>C on transcript NM_005033.3 (MANE Select); coding-DNA position 1086, T replaced by C.
Protein change: p.Gly362=; no amino-acid change (glycine 362 retained).
Molecular consequence: synonymous variant.
Genome position (GRCh38, 1-based): chr4:121,813,977, T>C. VCF-style: chr4-121813977-T-C. GRCh37 (hg19) VCF-style: chr4-122735132-T-C.
Other names: c.1086T>C, p.Gly362= (NM_001034194.2); c.1086T>C (NM_001034194.1).
Identifiers: ClinVar variation 1598763 (VCV001598763.11), dbSNP rs76155182, ClinGen allele CA3063621.

ClinVar aggregate classification (germline): Benign. Review status: criteria provided, multiple submitters, no conflicts (2 of 4 stars). 3 submissions from 3 submitters: Benign (2). 1 of the submissions does not count toward it. Last evaluated 2026-01-03.

Conditions:
EXOSC9-related disorder. Also called: EXOSC9-related condition.

Allele frequency attached by ClinVar (database versions not stated): gnomAD exomes 0.00053 and 0.00156; ExAC 0.00197; ESP Exome Variant Server 0.00554; gnomAD 0.00566 and 0.00607; TOPMed 0.00624; 1000 Genomes Project 0.00719; 1000 Genomes Project 30x 0.00734.

Submissions (3):

Labcorp Genetics (formerly Invitae), Labcorp
Classification: Benign. Last evaluated: 2026-01-03. Review status: criteria provided, single submitter. Criteria: Invitae Variant Classification Sherloc (09022015). Collection method: clinical testing. Allele origin: germline.

Breakthrough Genomics
Classification: Benign. Review status: criteria provided, single submitter. Criteria: ACMG Guidelines, 2015. Collection method: not provided. Allele origin: germline. Inheritance: Autosomal recessive inheritance. Affected: yes.

PreventionGenetics, part of Exact Sciences
Classification: Benign for EXOSC9-related condition. Last evaluated: 2019-08-13. Review status: no assertion criteria provided. Collection method: clinical testing. Allele origin: germline. Not counted in ClinVar's aggregate classification.
Comment: This variant is classified as benign based on ACMG/AMP sequence variant interpretation guidelines (Richards et al. 2015 PMID: 25741868, with internal and published modifications).